The following is an entry in ClinVar:

NM_004304.5(ALK):c.3837-3C>T

Gene: ALK (ALK receptor tyrosine kinase; minus strand). Cytogenetic location: 2p23.2.
Variant type: single nucleotide variant.
Coding change: c.3837-3C>T on transcript NM_004304.5 (MANE Select); 3 bases into the intron before coding-DNA position 3837, C replaced by T.
Molecular consequence: intron variant.
Genome position (GRCh38, 1-based): chr2:29,207,275, G>A on the plus strand (C>T on the coding strand, the complement: ALK is on the minus strand). VCF-style: chr2-29207275-G-A. GRCh37 (hg19) VCF-style: chr2-29430141-G-A.
Other names: c.633-3C>T (NM_001353765.2).
Identifiers: ClinVar variation 3223877 (VCV003223877.2), dbSNP rs2148152279, ClinGen allele CA2576925146.
Genomic context (GRCh38, chr2:29,207,275, plus strand): 5'-TGGGGGCATCCACTTAACTGGCAGCATGGCACAGCCTCCCTTTCTATAGTAGCTCGCCCT[G>A]TGGGGAAGGAGAGGAAAACCAAACTAGGATCTGGAGATGGCATTAAGCATCTGCCCTGCT-3'

ClinVar aggregate classification (germline): Uncertain significance. Review status: criteria provided, multiple submitters, no conflicts (2 of 4 stars). 2 submissions from 2 submitters: Uncertain significance (2). Last evaluated 2025-07-18.

Conditions:
Hereditary cancer-predisposing syndrome. Also called: Hereditary Cancer Syndrome; Tumor predisposition; Neoplastic Syndromes, Hereditary; Hereditary neoplastic syndrome. Identifiers: Orphanet 140162, MedGen C0027672, MeSH D009386, MONDO:0015356.
Neuroblastoma, susceptibility to, 3. Also called: ALK-Related Neuroblastic Tumor Susceptibility. Identifiers: Orphanet 635, MedGen C2751681, MONDO:0013083, OMIM 613014.

Allele frequency attached by ClinVar (database versions not stated): gnomAD exomes below 0.00001.
gnomAD v4.1: 2 of 1,613,550 alleles (0.00012%); highest among the groups gnomAD compares: Non-Finnish European, 0.00017%; no homozygotes.

Submissions (2):

Labcorp Genetics (formerly Invitae), Labcorp
Classification: Uncertain significance for Neuroblastoma, susceptibility to, 3. Last evaluated: 2025-07-18. Review status: criteria provided, single submitter. Criteria: Invitae Variant Classification Sherloc (09022015). Collection method: clinical testing. Allele origin: germline.
Comment: This sequence change falls in intron 25 of the ALK gene. It does not directly change the encoded amino acid sequence of the ALK protein. It affects a nucleotide within the consensus splice site. This variant is not present in population databases (gnomAD no frequency). This variant has not been reported in the literature in individuals affected with ALK-related conditions. ClinVar contains an entry for this variant (Variation ID: 3223877). Variants that disrupt the consensus splice site are a relatively common cause of aberrant splicing (PMID: 17576681, 9536098). Algorithms developed to predict the effect of sequence changes on RNA splicing suggest that this variant is not likely to affect RNA splicing. In summary, the available evidence is currently insufficient to determine the role of this variant in disease. Therefore, it has been classified as a Variant of Uncertain Significance.

Ambry Genetics
Classification: Uncertain significance for Hereditary cancer-predisposing syndrome. Last evaluated: 2023-12-08. Review status: criteria provided, single submitter. Criteria: Ambry Variant Classification Scheme 2023. Collection method: clinical testing. Allele origin: germline.
Comment: The c.3837-3C>T intronic variant results from a C to T substitution 3 nucleotides upstream from coding exon 26 in the ALK gene. This nucleotide position is highly conserved in available vertebrate species. In silico splice site analysis for this alteration is inconclusive. Since supporting evidence is limited at this time, the clinical significance of this alteration remains unclear.

Literature cited by the submitters: PubMed 17576681 (cited by Labcorp Genetics (formerly Invitae), Labcorp); PubMed 9536098 (cited by Labcorp Genetics (formerly Invitae), Labcorp).